The following is an entry in ClinVar:

ClinVar aggregate classification (germline): Benign (1 of 4 stars; one submission).

Conditions:
Juvenile polyposis syndrome (JPS). Identifiers: Orphanet 2929, MedGen C0345893, MONDO:0017380, OMIM 174900.

Submission:

Myriad Genetics, Inc.
Classification: Benign for Juvenile polyposis syndrome. Last evaluated: 2024-08-05. Review status: criteria provided, single submitter. Criteria: Myriad Autosomal Dominant, Autosomal Recessive and X-Linked Classification Criteria (2023). Collection method: clinical testing. Allele origin: unknown.
Comment: This variant is considered benign. This variant is a silent/synonymous amino acid change and it is not expected to impact splicing.

NM_004329.3(BMPR1A):c.855T>C (p.His285=)

Gene: BMPR1A (bone morphogenetic protein receptor type 1A; plus strand). Cytogenetic location: 10q23.2.
Variant type: single nucleotide variant.
Coding change: c.855T>C on transcript NM_004329.3 (MANE Select); coding-DNA position 855, T replaced by C.
Protein change: p.His285=; no amino-acid change (histidine 285 retained).
Molecular consequence: synonymous variant. On other transcripts: non-coding transcript variant (3).
Genome position (GRCh38, 1-based): chr10:86,917,313, T>C. VCF-style: chr10-86917313-T-C. GRCh37 (hg19) VCF-style: chr10-88677070-T-C.
Other names: c.930T>C, p.His310= (NM_001406559.1); c.903T>C, p.His301= (NM_001406560.1); c.855T>C, p.His285= (NM_001406561.1, NM_001406562.1, NM_001406563.1 and 19 more transcripts); c.849T>C, p.His283= (NM_001406583.1); c.771T>C, p.His257= (NM_001406584.1, NM_001406585.1, NM_001406586.1 and 2 more transcripts); c.513T>C, p.His171= (NM_001406589.1).
Identifiers: ClinVar variation 3379024 (VCV003379024.1).